The following is an entry in ClinVar:

NC_012920.1(MT-TD):m.7585A>G

Gene: MT-TD (mitochondrially encoded tRNA aspartic acid; plus strand).
Variant type: single nucleotide variant.
Genome position: chrM-7585-A-G.
Identifiers: ClinVar variation 690061 (VCV000690061.1), dbSNP rs1603221028, ClinGen allele CA913177493.
Genomic context (GRCh38, chrMT:7,585, plus strand): 5'-TAGAAAAACCATTTCATAACTTTGTCAAAGTTAAATTATAGGCTAAATCCTATATATCTT[A>G]ATGGCACATGCAGCGCAAGTAGGTCTACAAGACGCTACTTCCCCTATCATAGAAGAGCTT-3'

ClinVar aggregate classification (germline): Likely benign (1 of 4 stars; one submission).

Conditions:
MELAS syndrome (MELAS). Also called: Juvenile myopathy, encephalopathy, lactic acidosis, stroke. Identifiers: Orphanet 550, MedGen C0162671, MONDO:0010789, OMIM 540000.

Submission:

Wong Mito Lab, Molecular and Human Genetics, Baylor College of Medicine
Classification: Likely benign for MELAS syndrome. Last evaluated: 2019-07-12. Review status: criteria provided, single submitter. Criteria: Modified ACMG Guidelines (Unpublished). Collection method: clinical testing. Allele origin: germline.
Comment: The NC_012920.1:m.7585A>G variant in MT-TD gene is interpreted to be a Likely Benign variant based on the modified ACMG guidelines (unpublished). This variant meets the following evidence codes reported in the guidelines: BS4, BP4, BP6

Literature cited by the submitters: PubMed 31965079.